The following is an entry in ClinVar:

ClinVar aggregate classification (germline): Uncertain significance (1 of 4 stars; one submission).

Allele frequency attached by ClinVar (database versions not stated): ExAC 0.00001; gnomAD exomes 0.00001.

Submission:

Labcorp Genetics (formerly Invitae), Labcorp
Classification: Uncertain significance. Last evaluated: 2022-06-13. Review status: criteria provided, single submitter. Criteria: Invitae Variant Classification Sherloc (09022015). Collection method: clinical testing. Allele origin: germline.
Comment: In summary, the available evidence is currently insufficient to determine the role of this variant in disease. Therefore, it has been classified as a Variant of Uncertain Significance. Algorithms developed to predict the effect of missense changes on protein structure and function are either unavailable or do not agree on the potential impact of this missense change (SIFT: "Deleterious"; PolyPhen-2: "Benign"; Align-GVGD: "Class C0"). This variant has not been reported in the literature in individuals affected with CAPN1-related conditions. The frequency data for this variant in the population databases is considered unreliable, as metrics indicate poor data quality at this position in the gnomAD database. This sequence change replaces alanine, which is neutral and non-polar, with valine, which is neutral and non-polar, at codon 181 of the CAPN1 protein (p.Ala181Val).

NM_005186.4(CAPN1):c.542C>T (p.Ala181Val)

Gene: CAPN1 (calpain 1; plus strand). Cytogenetic location: 11q13.1.
Variant type: single nucleotide variant.
Coding change: c.542C>T on transcript NM_005186.4 (MANE Select); coding-DNA position 542, C replaced by T.
Protein change: p.Ala181Val; replaces alanine 181 with valine.
Molecular consequence: missense variant. On other transcripts: non-coding transcript variant (1).
Genome position (GRCh38, 1-based): chr11:65,186,002, C>T. VCF-style: chr11-65186002-C-T. GRCh37 (hg19) VCF-style: chr11-64953473-C-T.
Other names: c.542C>T, p.Ala181Val (NM_001198868.2, NM_001198869.2); c.380C>T, p.Ala127Val (NM_001198870.1); short protein forms A127V, A181V.
Identifiers: ClinVar variation 1947030 (VCV001947030.5), dbSNP rs763446574, ClinGen allele CA6093117.